The following is an entry in ClinVar:

NM_000214.3(JAG1):c.402G>T (p.Leu134Phe)

Gene: JAG1 (jagged canonical Notch ligand 1; minus strand). Cytogenetic location: 20p12.2.
Variant type: single nucleotide variant.
Coding change: c.402G>T on transcript NM_000214.3 (MANE Select); coding-DNA position 402, G replaced by T.
Protein change: p.Leu134Phe; replaces leucine 134 with phenylalanine.
Molecular consequence: missense variant.
Genome position (GRCh38, 1-based): chr20:10,664,000, C>A on the plus strand (G>T on the coding strand, the complement: JAG1 is on the minus strand). VCF-style: chr20-10664000-C-A. GRCh37 (hg19) VCF-style: chr20-10644648-C-A.
Other names: short protein forms L134F.
Identifiers: ClinVar variation 3573456 (VCV003573456.2).

Conditions:
Arteriohepatic dysplasia. Also called: Alagille Syndrome. Identifiers: Orphanet 52, MedGen C0085280, MeSH D016738, MONDO:0007318.

Submission:

Gilbert/Spinner Lab, Children's Hospital of Philadelphia
No classification provided (evidence only). Condition: Alagille syndrome. Review status: no classification provided. Collection method: research. Allele origin: not applicable. Functional consequence: functionally_abnormal.
ClinVar note: "not provided" was previously submitted as the classification for the variant. However, the classification appeared to be based only on an observation of functional data so it was converted to no classification on 2025-07-30.